The following is an entry in ClinVar:

NM_005076.5(CNTN2):c.949G>A (p.Val317Met)

Gene: CNTN2 (contactin 2; plus strand). Cytogenetic location: 1q32.1.
Variant type: single nucleotide variant.
Coding change: c.949G>A on transcript NM_005076.5 (MANE Select); coding-DNA position 949, G replaced by A.
Protein change: p.Val317Met; replaces valine 317 with methionine.
Molecular consequence: missense variant. On other transcripts: non-coding transcript variant (1).
Genome position (GRCh38, 1-based): chr1:205,061,396, G>A. VCF-style: chr1-205061396-G-A. GRCh37 (hg19) VCF-style: chr1-205030524-G-A.
Other names: c.949G>A, p.Val317Met (NM_001346083.2); short protein forms V317M.
Identifiers: ClinVar variation 665352 (VCV000665352.9), dbSNP rs374463835, ClinGen allele CA1351197.

ClinVar aggregate classification (germline): Uncertain significance. Review status: criteria provided, multiple submitters, no conflicts (2 of 4 stars). 2 submissions from 2 submitters: Uncertain significance (2). Last evaluated 2024-11-23.

Conditions:
Epilepsy, familial adult myoclonic, 5 (EPEO5). Also called: CORTICAL MYOCLONIC TREMOR WITH EPILEPSY, FAMILIAL, 5. Identifiers: Orphanet 86814, MedGen C3809374, MONDO:0014167, OMIM 615400.

Allele frequency attached by ClinVar (database versions not stated): gnomAD 0.00001; gnomAD exomes 0.00001 and 0.00003; ExAC 0.00002; TOPMed 0.00003.
gnomAD v4.1: 31 of 1,612,382 alleles (0.0019%); highest among the groups gnomAD compares: East Asian, 0.018%; no homozygotes.

Submissions (2):

Ambry Genetics
Classification: Uncertain significance. Last evaluated: 2024-11-23. Review status: criteria provided, single submitter. Criteria: Ambry Variant Classification Scheme 2023. Collection method: clinical testing. Allele origin: germline.

Labcorp Genetics (formerly Invitae), Labcorp
Classification: Uncertain significance for Epilepsy, familial adult myoclonic, 5. Last evaluated: 2022-08-23. Review status: criteria provided, single submitter. Criteria: Invitae Variant Classification Sherloc (09022015). Collection method: clinical testing. Allele origin: germline.
Comment: This sequence change replaces valine, which is neutral and non-polar, with methionine, which is neutral and non-polar, at codon 317 of the CNTN2 protein (p.Val317Met). This variant is present in population databases (rs374463835, gnomAD 0.02%). This variant has not been reported in the literature in individuals affected with CNTN2-related conditions. ClinVar contains an entry for this variant (Variation ID: 665352). Advanced modeling of protein sequence and biophysical properties (such as structural, functional, and spatial information, amino acid conservation, physicochemical variation, residue mobility, and thermodynamic stability) performed at Invitae indicates that this missense variant is not expected to disrupt CNTN2 protein function. In summary, the available evidence is currently insufficient to determine the role of this variant in disease. Therefore, it has been classified as a Variant of Uncertain Significance.